The following is an entry in ClinVar:

ClinVar aggregate classification (germline): Benign/Likely benign. Review status: criteria provided, multiple submitters, no conflicts (2 of 4 stars). 4 submissions from 4 submitters: Benign (1); Likely benign (2). 1 of the submissions does not count toward it. Last evaluated 2018-01-12.

Conditions:
AMPD3-related disorder. Also called: AMPD3-related condition.
Erythrocyte AMP deaminase deficiency. Identifiers: Orphanet 45, MedGen C2752073, OMIM 612874, MONDO:0020734.

Allele frequency attached by ClinVar (database versions not stated): 1000 Genomes Project 30x 0.02514; ExAC 0.00734; gnomAD 0.02054 and 0.02210; 1000 Genomes Project 0.02276; TOPMed 0.02353; gnomAD exomes 0.00609; ESP Exome Variant Server 0.02610.
gnomAD v4.1: 6,862 of 1,614,096 alleles (0.43%); highest among the groups gnomAD compares: African/African-American, 7.1%; 213 homozygotes.

Submissions (4):

Illumina Laboratory Services, Illumina
Classification: Likely benign for Erythrocyte AMP deaminase deficiency. Last evaluated: 2018-01-12. Review status: criteria provided, single submitter. Criteria: ICSL Variant Classification Criteria 13 December 2019. Collection method: clinical testing. Allele origin: germline.
Comment: This variant was observed in the ICSL laboratory as part of a predisposition screen in an ostensibly healthy population. It had not been previously curated by ICSL or reported in the Human Gene Mutation Database (HGMD: prior to June 1st, 2018), and was therefore a candidate for classification through an automated scoring system. Utilizing variant allele frequency, disease prevalence and penetrance estimates, and inheritance mode, an automated score was calculated to assess if this variant is too frequent to cause the disease. Based on the score and internal cut-off values, a variant classified as likely benign is not then subjected to further curation. The score for this variant resulted in a classification of likely benign for this disease.

Labcorp Genetics (formerly Invitae), Labcorp
Classification: Benign. Last evaluated: 2017-10-19. Review status: criteria provided, single submitter. Criteria: Invitae Variant Classification Sherloc (09022015). Collection method: clinical testing. Allele origin: germline.

Breakthrough Genomics
Classification: Likely benign. Review status: criteria provided, single submitter. Criteria: ACMG Guidelines, 2015. Collection method: not provided. Allele origin: germline. Inheritance: Autosomal recessive inheritance. Affected: yes.

PreventionGenetics, part of Exact Sciences
Classification: Benign for AMPD3-related condition. Last evaluated: 2019-08-09. Review status: no assertion criteria provided. Collection method: clinical testing. Allele origin: germline. Not counted in ClinVar's aggregate classification.
Comment: This variant is classified as benign based on ACMG/AMP sequence variant interpretation guidelines (Richards et al. 2015 PMID: 25741868, with internal and published modifications).

NM_001025389.2(AMPD3):c.669C>T (p.His223=)

Gene: AMPD3 (adenosine monophosphate deaminase 3; plus strand). Cytogenetic location: 11p15.4.
Variant type: single nucleotide variant.
Coding change: c.669C>T on transcript NM_001025389.2 (MANE Select); coding-DNA position 669, C replaced by T.
Protein change: p.His223=; no amino-acid change (histidine 223 retained).
Molecular consequence: synonymous variant.
Genome position (GRCh38, 1-based): chr11:10,484,899, C>T. VCF-style: chr11-10484899-C-T. GRCh37 (hg19) VCF-style: chr11-10506446-C-T.
Other names: c.696C>T, p.His232= (NM_000480.3); c.690C>T, p.His230= (NM_001025390.2); c.669C>T, p.His223= (NM_001172430.1); c.192C>T, p.His64= (NM_001172431.2).
Identifiers: ClinVar variation 302160 (VCV000302160.11), dbSNP rs34319136, ClinGen allele CA5882718.